The following is an entry in ClinVar:

NM_006904.7(PRKDC):c.2899C>T (p.Pro967Ser)

Gene: PRKDC (protein kinase, DNA-activated, catalytic subunit; minus strand). Cytogenetic location: 8q11.21.
Variant type: single nucleotide variant.
Coding change: c.2899C>T on transcript NM_006904.7 (MANE Select); coding-DNA position 2899, C replaced by T.
Protein change: p.Pro967Ser; replaces proline 967 with serine.
Molecular consequence: missense variant.
Genome position (GRCh38, 1-based): chr8:47,912,445, G>A on the plus strand (C>T on the coding strand, the complement: PRKDC is on the minus strand). VCF-style: chr8-47912445-G-A. GRCh37 (hg19) VCF-style: chr8-48825005-G-A.
Other names: c.2899C>T, p.Pro967Ser (NM_001081640.2); short protein forms P967S.
Identifiers: ClinVar variation 3026264 (VCV003026264.22), dbSNP rs773103276, ClinGen allele CA371158719.
Genomic context (GRCh38, chr8:47,912,445, plus strand): 5'-ACTATTTCAGATTCAAAGCCCTTACCTGATCAACATCACACGCAAGTCGAAGCAGCACAG[G>A]AAACGTCCGCTTATAGAGCTGGTACATGGGTGGGGCTCCCTGTCCCCCTTCTGGCATCTG-3'
Protein context (NP_008835.5, residues 957-977): PMYQLYKRTF[Pro967Ser]VLLRLACDVD

ClinVar aggregate classification (germline): Uncertain significance (1 of 4 stars; one submission).

Submission:

CeGaT Center for Human Genetics Tuebingen
Classification: Uncertain significance. Last evaluated: 2024-01-01. Review status: criteria provided, single submitter. Criteria: CeGaT Center For Human Genetics Tuebingen Variant Classification Criteria Version 2. Collection method: clinical testing. Allele origin: germline. Affected: yes. Observed: 1 variant allele.
Comment: PRKDC: PM2